The following is an entry in ClinVar:

ClinVar aggregate classification (germline): Uncertain significance. Review status: criteria provided, multiple submitters, no conflicts (2 of 4 stars). 2 submissions from 2 submitters: Uncertain significance (2). Last evaluated 2025-10-14.

Conditions:
Diamond-Blackfan anemia 8 (DBA8). Also called: RPS7-Related Diamond-Blackfan Anemia. Identifiers: Orphanet 124, MedGen C2675511, MONDO:0012939, OMIM 612563.

Allele frequency attached by ClinVar (database versions not stated): gnomAD exomes 0.00001 and 0.00004; gnomAD 0.00002; ExAC 0.00003; TOPMed 0.00003.

Submissions (2):

Labcorp Genetics (formerly Invitae), Labcorp
Classification: Uncertain significance for Diamond-Blackfan anemia 8. Last evaluated: 2025-10-14. Review status: criteria provided, single submitter. Criteria: Invitae Variant Classification Sherloc (09022015). Collection method: clinical testing. Allele origin: germline.
Comment: This sequence change replaces asparagine, which is neutral and polar, with serine, which is neutral and polar, at codon 12 of the RPS7 protein (p.Asn12Ser). This variant is present in population databases (rs779623517, gnomAD 0.03%). This variant has not been reported in the literature in individuals affected with RPS7-related conditions. ClinVar contains an entry for this variant (Variation ID: 998359). An algorithm developed to predict the effect of missense changes on protein structure and function (PolyPhen-2) suggests that this variant is likely to be tolerated. In summary, the available evidence is currently insufficient to determine the role of this variant in disease. Therefore, it has been classified as a Variant of Uncertain Significance.

Baylor Genetics
Classification: Uncertain significance for Diamond-Blackfan anemia 8. Last evaluated: 2020-11-23. Review status: criteria provided, single submitter. Criteria: ACMG Guidelines, 2015. Collection method: clinical testing. Allele origin: unknown. Affected: yes. Study: CSER-TexasKidsCanSeq.
Comment: This variant was determined to be of uncertain significance according to ACMG Guidelines, 2015 [PMID:25741868].

NM_001011.4(RPS7):c.35A>G (p.Asn12Ser)

Gene: RPS7 (ribosomal protein S7; plus strand). Cytogenetic location: 2p25.3.
Variant type: single nucleotide variant.
Coding change: c.35A>G on transcript NM_001011.4 (MANE Select); coding-DNA position 35, A replaced by G.
Protein change: p.Asn12Ser; replaces asparagine 12 with serine.
Molecular consequence: missense variant.
Genome position (GRCh38, 1-based): chr2:3,575,644, A>G. VCF-style: chr2-3575644-A-G. GRCh37 (hg19) VCF-style: chr2-3623234-A-G.
Other names: short protein forms N12S.
Identifiers: ClinVar variation 998359 (VCV000998359.7), dbSNP rs779623517, ClinGen allele CA1516520.
Genomic context (GRCh38, chr2:3,575,644, plus strand): 5'-GCCTTCAGTTCTCCCAGGAGAAAGCCATGTTCAGTTCGAGCGCCAAGATCGTGAAGCCCA[A>G]TGGCGAGAAGCCGGACGAGTTCGAGTCCGGCATCTCCCAGGTGAGAGGGTTTCCCTGGGG-3'
Protein context (NP_001002.1, residues 2-22): FSSSAKIVKP[Asn12Ser]GEKPDEFESG